The following is an entry in ClinVar:

ClinVar aggregate classification (germline): Pathogenic (1 of 4 stars; one submission).

Submission:

Labcorp Genetics (formerly Invitae), Labcorp
Classification: Pathogenic. Last evaluated: 2023-03-09. Review status: criteria provided, single submitter. Criteria: Invitae Variant Classification Sherloc (09022015). Collection method: clinical testing. Allele origin: germline.
Comment: This sequence change creates a premature translational stop signal (p.Tyr97*) in the HMOX1 gene. It is expected to result in an absent or disrupted protein product. Loss-of-function variants in HMOX1 are known to be pathogenic (PMID: 9884342, 21088618). This variant is not present in population databases (gnomAD no frequency). This variant has not been reported in the literature in individuals affected with HMOX1-related conditions. Algorithms developed to predict the effect of sequence changes on RNA splicing suggest that this variant may create or strengthen a splice site. For these reasons, this variant has been classified as Pathogenic.

Literature cited by the submitters: PubMed 9884342; PubMed 21088618.

NM_002133.3(HMOX1):c.291C>A (p.Tyr97Ter)

Gene: HMOX1 (heme oxygenase 1; plus strand). Cytogenetic location: 22q12.3.
Variant type: single nucleotide variant.
Coding change: c.291C>A on transcript NM_002133.3 (MANE Select); coding-DNA position 291, C replaced by A.
Protein change: p.Tyr97Ter; replaces tyrosine 97 with a stop codon.
Molecular consequence: nonsense.
Genome position (GRCh38, 1-based): chr22:35,386,831, C>A. VCF-style: chr22-35386831-C-A. GRCh37 (hg19) VCF-style: chr22-35782824-C-A.
Other names: short protein forms Y97*.
Identifiers: ClinVar variation 2843706 (VCV002843706.3), dbSNP rs201495169, ClinGen allele CA411352411.